The following is an entry in ClinVar:

NM_004958.4(MTOR):c.7307C>G (p.Thr2436Ser)

Gene: MTOR (mechanistic target of rapamycin kinase; minus strand). Cytogenetic location: 1p36.22.
Variant type: single nucleotide variant.
Coding change: c.7307C>G on transcript NM_004958.4 (MANE Select); coding-DNA position 7307, C replaced by G.
Protein change: p.Thr2436Ser; replaces threonine 2436 with serine.
Molecular consequence: missense variant.
Genome position (GRCh38, 1-based): chr1:11,112,911, G>C on the plus strand (C>G on the coding strand, the complement: MTOR is on the minus strand). VCF-style: chr1-11112911-G-C. GRCh37 (hg19) VCF-style: chr1-11172968-G-C.
Other names: c.7307C>G, p.Thr2436Ser (NM_001386500.1); c.6059C>G, p.Thr2020Ser (NM_001386501.1); short protein forms T2436S, T2020S.
Identifiers: ClinVar variation 2117934 (VCV002117934.4), dbSNP rs774670579, ClinGen allele CA338380569.
Genomic context (GRCh38, chr1:11,112,911, plus strand): 5'-CCGACTGACTGGCCAGCAGAGTAGGAATCCGTCCTCGTTCGGGATCGCTTGTTGCCTTTG[G>C]TATTTGCTAGGGAGAGAAATAAAGAGTATTGAAACATGCTTCAAATTTTGACTTGAAAGA-3'
Protein context (NP_004949.1, residues 2426-2446): LLNWRLMDTN[Thr2436Ser]KGNKRSRTRT

ClinVar aggregate classification (germline): Uncertain significance (1 of 4 stars; one submission).

Submission:

Labcorp Genetics (formerly Invitae), Labcorp
Classification: Uncertain significance. Last evaluated: 2022-03-27. Review status: criteria provided, single submitter. Criteria: Invitae Variant Classification Sherloc (09022015). Collection method: clinical testing. Allele origin: germline.
Comment: In summary, the available evidence is currently insufficient to determine the role of this variant in disease. Therefore, it has been classified as a Variant of Uncertain Significance. Advanced modeling of protein sequence and biophysical properties (such as structural, functional, and spatial information, amino acid conservation, physicochemical variation, residue mobility, and thermodynamic stability) performed at Invitae indicates that this missense variant is not expected to disrupt MTOR protein function. This variant has not been reported in the literature in individuals affected with MTOR-related conditions. This variant is not present in population databases (gnomAD no frequency). This sequence change replaces threonine, which is neutral and polar, with serine, which is neutral and polar, at codon 2436 of the MTOR protein (p.Thr2436Ser).